The following is an entry in ClinVar:

NM_000875.5(IGF1R):c.2607C>G (p.Tyr869Ter)

Gene: IGF1R (insulin like growth factor 1 receptor; plus strand). Cytogenetic location: 15q26.3.
Variant type: single nucleotide variant.
Coding change: c.2607C>G on transcript NM_000875.5 (MANE Select); coding-DNA position 2607, C replaced by G.
Protein change: p.Tyr869Ter; replaces tyrosine 869 with a stop codon.
Molecular consequence: nonsense.
Genome position (GRCh38, 1-based): chr15:98,923,997, C>G. VCF-style: chr15-98923997-C-G. GRCh37 (hg19) VCF-style: chr15-99467226-C-G.
Other names: c.2607C>G, p.Tyr869Ter (NM_001291858.2); short protein forms Y869*.
Identifiers: ClinVar variation 3376747 (VCV003376747.1).

ClinVar aggregate classification (germline): Pathogenic (1 of 4 stars; one submission).

Conditions:
Growth delay due to insulin-like growth factor I resistance. Also called: Somatomedin end-organ insensitivity to; Somatomedin-c resistance to; IGF-1 resistance; Insulin-Like Growth Factor I Resistance; IGF-I RESISTANCE. Identifiers: Orphanet 73273, MedGen C1849157, MONDO:0010038, OMIM 270450.

gnomAD v4.1: 5 of 1,614,018 alleles (0.00031%); highest among the groups gnomAD compares: Non-Finnish European, 0.00042%; no homozygotes.

Submission:

Victorian Clinical Genetics Services, Murdoch Childrens Research Institute
Classification: Pathogenic for Growth delay due to insulin-like growth factor I resistance. Last evaluated: 2023-12-21. Review status: criteria provided, single submitter. Criteria: ACMG Guidelines, 2015. Collection method: clinical testing. Allele origin: germline. Inheritance: Autosomal dominant inheritance. Affected: yes.
Comment: Based on the classification scheme VCGS_Germline_v1.3.4, this variant is classified as Pathogenic. Following criteria are met: 0102 - Loss of function is a known mechanism of disease in this gene and is associated with resistance to insulin-like growth factor I (MIM#270450). (I) 0108 - This gene is associated with both recessive and dominant disease, with recessive disease reported to be more severe (OMIM; PMID: 31586944). (I) 0201 - Variant is predicted to cause nonsense-mediated decay (NMD) and loss of protein (premature termination codon is located at least 54 nucleotides upstream of the final exon-exon junction). (SP) 0251 - This variant is heterozygous. (I) 0301 - Variant is absent from gnomAD (both v2 and v3). (SP) 0701 - Other NMD-predicted variants comparable to the one identified in this case have very strong previous evidence for pathogenicity. There are at least ten NMD-predicted variants that have been classified as likely pathogenic or pathogenic (ClinVar). Individuals carrying these types of variants are commonly reported to have short stature and/or neurodevelopmental delay (ClinVar; PMIDs: 28395282, 31586944). (SP) 0807 - This variant has no previous evidence of pathogenicity. (I) 0905 - No published segregation evidence has been identified for this variant. (I) 1007 - No published functional evidence has been identified for this variant. (I) 1208 - Inheritance information for this variant is not currently available in this individual. (I) Legend: (SP) - Supporting pathogenic, (I) - Information, (SB) - Supporting benign

Literature cited by the submitters: PubMed 28395282; PubMed 31586944.